The following is an entry in ClinVar:

ClinVar aggregate classification (germline): Uncertain significance (1 of 4 stars; one submission).

Conditions:
Rubinstein-Taybi syndrome (RSTS). Identifiers: Orphanet 783, MedGen C0035934, MONDO:0019188.

Submission:

Labcorp Genetics (formerly Invitae), Labcorp
Classification: Uncertain significance for Rubinstein-Taybi syndrome. Last evaluated: 2022-10-26. Review status: criteria provided, single submitter. Criteria: Invitae Variant Classification Sherloc (09022015). Collection method: clinical testing. Allele origin: germline.
Comment: This sequence change replaces serine, which is neutral and polar, with arginine, which is basic and polar, at codon 121 of the CREBBP protein (p.Ser121Arg). In summary, the available evidence is currently insufficient to determine the role of this variant in disease. Therefore, it has been classified as a Variant of Uncertain Significance. Algorithms developed to predict the effect of missense changes on protein structure and function (SIFT, PolyPhen-2, Align-GVGD) all suggest that this variant is likely to be disruptive. This variant has not been reported in the literature in individuals affected with CREBBP-related conditions. This variant is not present in population databases (gnomAD no frequency).

NM_004380.3(CREBBP):c.363C>A (p.Ser121Arg)

Gene: CREBBP (CREB binding lysine acetyltransferase; minus strand). Cytogenetic location: 16p13.3.
Variant type: single nucleotide variant.
Coding change: c.363C>A on transcript NM_004380.3 (MANE Select); coding-DNA position 363, C replaced by A.
Protein change: p.Ser121Arg; replaces serine 121 with arginine.
Molecular consequence: missense variant.
Genome position (GRCh38, 1-based): chr16:3,850,732, G>T on the plus strand (C>A on the coding strand, the complement: CREBBP is on the minus strand). VCF-style: chr16-3850732-G-T. GRCh37 (hg19) VCF-style: chr16-3900733-G-T.
Other names: c.363C>A, p.Ser121Arg (NM_001079846.1); short protein forms S121R.
Identifiers: ClinVar variation 1722217 (VCV001722217.5), dbSNP rs2548545851, ClinGen allele CA394561415.
Genomic context (GRCh38, chr16:3,850,732, plus strand): 5'-AGAGGTGCTGGCTGCCTGTTTAGGCAGGCTGGGGGCTGAAGAATCTCCCTGGCTCAGAGG[G>T]CTCTTGCCCATGGCACTGAGGCTGGCCATGTTAGCACTGTTCGGCTGCCCTTGAGCCTGG-3'
Protein context (NP_004371.2, residues 111-131): NMASLSAMGK[Ser121Arg]PLSQGDSSAP